The following is an entry in ClinVar:

NM_000238.4(KCNH2):c.2488C>G (p.Leu830Val)

Gene: KCNH2 (potassium voltage-gated channel subfamily H member 2; minus strand). Cytogenetic location: 7q36.1.
Variant type: single nucleotide variant.
Coding change: c.2488C>G on transcript NM_000238.4 (MANE Select); coding-DNA position 2488, C replaced by G.
Protein change: p.Leu830Val; replaces leucine 830 with valine.
Molecular consequence: missense variant.
Genome position (GRCh38, 1-based): chr7:150,948,960, G>C on the plus strand (C>G on the coding strand, the complement: KCNH2 is on the minus strand). VCF-style: chr7-150948960-G-C. GRCh37 (hg19) VCF-style: chr7-150646048-G-C.
Other names: c.2200C>G, p.Leu734Val (NM_001406753.1); c.1468C>G, p.Leu490Val (NM_172057.3); short protein forms L734V, L830V, L490V.
Identifiers: ClinVar variation 1792014 (VCV001792014.6), dbSNP rs777794485, ClinGen allele CA369855093.

ClinVar aggregate classification (germline): Uncertain significance. Review status: criteria provided, multiple submitters, no conflicts (2 of 4 stars). 3 submissions from 3 submitters: Uncertain significance (3). Last evaluated 2024-02-01.

Conditions:
Long QT syndrome (LQTS). Identifiers: MedGen C0023976, MeSH D008133, MONDO:0002442. Disease mechanism: loss of function. Inheritance: Various modes of inheritance.
Cardiovascular phenotype. Identifiers: MedGen CN230736.

gnomAD v4.1: 1 of 1,614,210 alleles (0.000062%); highest among the groups gnomAD compares: Non-Finnish European, 0.000085%; no homozygotes.

Submissions (3):

Blueprint Genetics
Classification: Uncertain significance. Last evaluated: 2024-02-01. Review status: criteria provided, single submitter. Criteria: ACMG Guidelines, 2015. Collection method: clinical testing. Allele origin: germline.

Labcorp Genetics (formerly Invitae), Labcorp
Classification: Uncertain significance for Long QT syndrome. Last evaluated: 2023-10-05. Review status: criteria provided, single submitter. Criteria: Invitae Variant Classification Sherloc (09022015). Collection method: clinical testing. Allele origin: germline.
Comment: This sequence change replaces leucine, which is neutral and non-polar, with valine, which is neutral and non-polar, at codon 830 of the KCNH2 protein (p.Leu830Val). This variant is not present in population databases (gnomAD no frequency). This variant has not been reported in the literature in individuals affected with KCNH2-related conditions. ClinVar contains an entry for this variant (Variation ID: 1792014). An algorithm developed to predict the effect of missense changes on protein structure and function (PolyPhen-2) suggests that this variant is likely to be disruptive. In summary, the available evidence is currently insufficient to determine the role of this variant in disease. Therefore, it has been classified as a Variant of Uncertain Significance.

Ambry Genetics
Classification: Uncertain significance for Cardiovascular phenotype. Last evaluated: 2021-05-18. Review status: criteria provided, single submitter. Criteria: Ambry Variant Classification Scheme 2023. Collection method: clinical testing. Allele origin: germline.
Comment: The p.L830V variant (also known as c.2488C>G), located in coding exon 10 of the KCNH2 gene, results from a C to G substitution at nucleotide position 2488. The leucine at codon 830 is replaced by valine, an amino acid with highly similar properties, and is located in the cytoplasmic region of the protein. This amino acid position is highly conserved in available vertebrate species. In addition, this alteration is predicted to be deleterious by in silico analysis. Since supporting evidence is limited at this time, the clinical significance of this alteration remains unclear.